The following is an entry in ClinVar:

NM_025029.5(MZT2B):c.319+1061C>G

Gene: MZT2B (mitotic spindle organizing protein 2B; plus strand). Cytogenetic location: 2q21.1.
Variant type: single nucleotide variant.
Coding change: c.319+1061C>G on transcript NM_025029.5 (MANE Select); 1061 bases into the intron after coding-DNA position 319, C replaced by G.
Molecular consequence: intron variant. On other transcripts: synonymous variant (1).
Genome position (GRCh38, 1-based): chr2:130,183,836, C>G. VCF-style: chr2-130183836-C-G. GRCh37 (hg19) VCF-style: chr2-130941409-C-G.
Other names: c.369C>G, p.Ser123= (NM_001330282.2); c.170+1384C>G (NM_001330284.2).
Identifiers: ClinVar variation 2651363 (VCV002651363.24), dbSNP rs534830525, ClinGen allele CA1870573.
Genomic context (GRCh38, chr2:130,183,836, plus strand): 5'-CTGACCTCCAGAGGCCTCCTTTCTCTCTGCCAGGAACAGTAGCCCCCCTGCAAGGCCCTC[C>G]TTTTCCTCCAGCCCGCAGCCTGCGGCCTCTCCGGTTCTGCTCCACAGCCCGGCTGCCACA-3'

ClinVar aggregate classification (germline): Likely benign (1 of 4 stars; one submission).

Allele frequency attached by ClinVar (database versions not stated): ExAC 0.00073; TOPMed 0.00077; 1000 Genomes Project 0.00120; 1000 Genomes Project 30x 0.00156.
gnomAD v4.1: 1,107 of 1,550,572 alleles (0.071%); highest among the groups gnomAD compares: Middle Eastern, 0.1%; 2 homozygotes.

Submission:

CeGaT Center for Human Genetics Tuebingen
Classification: Likely benign. Last evaluated: 2025-07-01. Review status: criteria provided, single submitter. Criteria: CeGaT Center For Human Genetics Tuebingen Variant Classification Criteria Version 2. Collection method: clinical testing. Allele origin: germline. Affected: yes. Observed: 2 variant alleles.
Comment: MZT2B: BP4, BP7